The following is an entry in ClinVar:

ClinVar aggregate classification (germline): Uncertain significance. Review status: reviewed by expert panel (3 of 4 stars). 10 submissions from 10 submitters: Uncertain significance (1). 9 of the submissions do not count toward it. Last evaluated 2025-08-01.

Conditions:
RYR1-related disorder. Also called: RYR1-related condition; RYR1-related disorders. Identifiers: MedGen CN239331.
Malignant hyperthermia, susceptibility to, 1 (MHS1). Also called: Anesthesia related hyperthermia; Malignant hyperpyrexia; Fulminating hyperpyrexia; Pharmacogenic myopathy; RYR1-Related Malignant Hyperthermia Susceptibility; Malignant hyperthermia suceptibility 1. Identifiers: Orphanet 423, MedGen C2930980, MONDO:0007783, OMIM 145600.

Allele frequency attached by ClinVar (database versions not stated): gnomAD exomes 0.00005 and 0.00009; gnomAD 0.00006 and 0.00007; ExAC 0.00008; TOPMed 0.00002.
gnomAD v4.1: 82 of 1,614,026 alleles (0.0051%); highest among the groups gnomAD compares: East Asian, 0.089%; no homozygotes.

Submissions (10):

ClinGen Malignant Hyperthermia Susceptibility Variant Curation Expert Panel, ClinGen
Classification: Uncertain significance for Malignant hyperthermia, susceptibility to, 1. Last evaluated: 2025-08-01. Review status: reviewed by expert panel. Criteria: ClinGen MHS ACMG Specifications V2. Collection method: curation. Allele origin: germline. Inheritance: Autosomal dominant inheritance. Study: ClinGen.
Comment: This pathogenicity assessment is relevant only for malignant hyperthermia susceptibility (MHS) inherited in an autosomal dominant pattern. Variants in RYR1 can also cause other myopathies inherited in an autosomal dominant pattern or in an autosomal recessive pattern. Some of these disorders may predispose individuals to malignant hyperthermia. RYR1 variants may also contribute to a malignant hyperthermia reaction in combination with other genetic and non-genetic factors and the clinician needs to consider such factors in making management decisions. This sequence variant predicts a substitution of proline with leucine at codon 2496 of the RYR1 protein, p.(Pro2496Leu). The maximum allele frequency for this variant among the six major gnomAD populations is EAS: 0.00065, a frequency consistent with pathogenicity for MHS. This variant has been reported in an individual with a personal or family history of an MH episode without an in vitro contracture test (IVCT) or caffeine halothane contracture test (CHCT) result, PS4 was not met (PMID:16732084). No functional studies were identified for this variant. This variant does not reside in a hotspot for pathogenic variants that contribute to MHS. A REVEL score >0.85 (0.96) supports a pathogenic status for this variant, PP3_Moderate. This variant has been classified as a Variant of Unknown Significance. Criteria implemented: PP3_Moderate.

GeneDx
Classification: Uncertain significance. Last evaluated: 2024-07-09. Review status: criteria provided, single submitter. Criteria: GeneDx Variant Classification Process June 2021. Collection method: clinical testing. Allele origin: germline. Affected: yes. Not counted in ClinVar's aggregate classification.
Comment: Reported with a second RYR1 variant, phase unknown, in a patient with malignant hyperthermia in published literature (PMID: 16732084); In silico analysis supports that this missense variant has a deleterious effect on protein structure/function; This variant is associated with the following publications: (PMID: 24195946, 16917943, 16732084)

Blueprint Genetics
Classification: Uncertain significance. Last evaluated: 2024-06-12. Review status: criteria provided, single submitter. Criteria: ACMG Guidelines, 2015. Collection method: clinical testing. Allele origin: germline. Not counted in ClinVar's aggregate classification.

All of Us Research Program, National Institutes of Health
Classification: Uncertain significance for Malignant hyperthermia, susceptibility to, 1. Last evaluated: 2024-06-11. Review status: criteria provided, single submitter. Criteria: ACMG Guidelines, 2015. Collection method: clinical testing. Allele origin: germline. Inheritance: Autosomal dominant inheritance. Observed: 16 variant alleles, 16 heterozygotes. Not counted in ClinVar's aggregate classification.
Comment: This missense variant replaces proline with leucine at codon 2496 of the RYR1 protein. Computational prediction suggests that this variant may have deleterious impact on protein structure and function (internally defined REVEL score threshold >= 0.7, PMID: 27666373). To our knowledge, functional studies have not been reported for this variant. This variant has been reported in an individual affected with malignant hyperthemia susceptibility (PMID: 16732084). This variant has been identified in 25/282716 chromosomes in the general population by the Genome Aggregation Database (gnomAD). The available evidence is insufficient to determine the role of this variant in disease conclusively. Therefore, this variant is classified as a Variant of Uncertain Significance.

This study involves interpretation of variants in research participants for the purpose of population health screening. Participant phenotype was not available at the time of variant classification. Additional details can be found in publication PMID: 35346344, PMCID: PMC8962531

Color Diagnostics, LLC DBA Color Health
Classification: Uncertain significance for Malignant hyperthermia, susceptibility to, 1. Last evaluated: 2024-05-24. Review status: criteria provided, single submitter. Criteria: ACMG Guidelines, 2015. Collection method: clinical testing. Allele origin: germline. Not counted in ClinVar's aggregate classification.
Comment: This missense variant replaces proline with leucine at codon 2496 of the RYR1 protein. Computational prediction suggests that this variant may have deleterious impact on protein structure and function. To our knowledge, functional studies have not been reported for this variant. This variant has been reported in an individual affected with malignant hyperthemia susceptibility (PMID: 16732084). This variant has been identified in 25/282716 chromosomes in the general population by the Genome Aggregation Database (gnomAD). The available evidence is insufficient to determine the role of this variant in disease conclusively. Therefore, this variant is classified as a Variant of Uncertain Significance.

Revvity Omics, Revvity
Classification: Uncertain significance. Last evaluated: 2023-02-21. Review status: criteria provided, single submitter. Criteria: ACMG Guidelines, 2015. Collection method: clinical testing. Allele origin: germline. Not counted in ClinVar's aggregate classification.

Labcorp Genetics (formerly Invitae), Labcorp
Classification: Uncertain significance for RYR1-related disorder. Last evaluated: 2022-09-01. Review status: criteria provided, single submitter. Criteria: Invitae Variant Classification Sherloc (09022015). Collection method: clinical testing. Allele origin: germline. Not counted in ClinVar's aggregate classification.
Comment: This sequence change replaces proline, which is neutral and non-polar, with leucine, which is neutral and non-polar, at codon 2496 of the RYR1 protein (p.Pro2496Leu). This variant is present in population databases (rs193922817, gnomAD 0.07%). This missense change has been observed in individual(s) with malignant hyperthermia (PMID: 16732084). ClinVar contains an entry for this variant (Variation ID: 133204). Advanced modeling of protein sequence and biophysical properties (such as structural, functional, and spatial information, amino acid conservation, physicochemical variation, residue mobility, and thermodynamic stability) performed at Invitae indicates that this missense variant is expected to disrupt RYR1 protein function. In summary, the available evidence is currently insufficient to determine the role of this variant in disease. Therefore, it has been classified as a Variant of Uncertain Significance.

Soonchunhyang University Bucheon Hospital, Soonchunhyang University Medical Center
Classification: Uncertain significance for Malignant hyperthermia, susceptibility to, 1. Last evaluated: 2016-03-18. Review status: criteria provided, single submitter. Criteria: ACMG Guidelines, 2015. Collection method: reference population. Allele origin: germline. Observed: 1 variant allele. Not counted in ClinVar's aggregate classification.

Biesecker Lab/Clinical Genomics Section, National Institutes of Health
Classification: Uncertain significance for Malignant hyperthermia, susceptibility to, 1. Last evaluated: 2013-07-01. Review status: criteria provided, single submitter. Criteria: Gonsalves et al. 2013. Collection method: research. Allele origin: unknown. Observed: 1 variant allele. Study: ClinSeq. Not counted in ClinVar's aggregate classification.
Comment: The study set was not selected for affection status in relation to any myopathy. Pathogenicity categories were based on literature curation. See Pubmed ID: 24195946 for details.

RYR1 database
No classification provided. Review status: no classification provided. Collection method: not provided. Allele origin: unknown. Not counted in ClinVar's aggregate classification.

Literature cited by the submitters: PubMed 16732084 (cited by 3 submitters); PubMed 16917943 (cited by Soonchunhyang University Bucheon Hospital, Soonchunhyang University Medical Center); PubMed 24195946 (cited by Soonchunhyang University Bucheon Hospital, Soonchunhyang University Medical Center).

NM_000540.3(RYR1):c.7487C>T (p.Pro2496Leu)

Gene: RYR1 (ryanodine receptor 1; plus strand). Cytogenetic location: 19q13.2.
Variant type: single nucleotide variant.
Coding change: c.7487C>T on transcript NM_000540.3 (MANE Select); coding-DNA position 7487, C replaced by T.
Protein change: p.Pro2496Leu; replaces proline 2496 with leucine.
Molecular consequence: missense variant.
Genome position (GRCh38, 1-based): chr19:38,500,863, C>T. VCF-style: chr19-38500863-C-T. GRCh37 (hg19) VCF-style: chr19-38991503-C-T.
Other names: NM_000540.2(RYR1):c.7487C>T; c.7487C>T, p.Pro2496Leu (NM_001042723.2); short protein forms P2496L.
Identifiers: ClinVar variation 133204 (VCV000133204.13), dbSNP rs193922817, ClinGen allele CA024807.